The following is an entry in ClinVar:

ClinVar aggregate classification (germline): Likely benign. Review status: criteria provided, multiple submitters, no conflicts (2 of 4 stars). 3 submissions from 3 submitters: Likely benign (2). 1 of the submissions does not count toward it. Last evaluated 2025-10-21.

Conditions:
XYLT1-related disorder. Also called: XYLT1-related condition.
Desbuquois dysplasia 1 (DBQD1). Also called: DESBUQUOIS DYSPLASIA 1, KIM VARIANT; MICROMELIC DWARFISM WITH VERTEBRAL AND METAPHYSEAL ABNORMALITIES AND ADVANCED CARPOTARSAL OSSIFICATION. Identifiers: Orphanet 1425, MedGen C4012146, MONDO:0009629, OMIM 251450.

Allele frequency attached by ClinVar (database versions not stated): ExAC 0.00002; gnomAD exomes 0.00002 and 0.00005; gnomAD 0.00005; TOPMed 0.00006.
gnomAD v4.1: 84 of 1,614,110 alleles (0.0052%); highest among the groups gnomAD compares: African/African-American, 0.0093%; no homozygotes.

Submissions (3):

Labcorp Genetics (formerly Invitae), Labcorp
Classification: Likely benign for Desbuquois dysplasia 1. Last evaluated: 2025-10-21. Review status: criteria provided, single submitter. Criteria: Invitae Variant Classification Sherloc (09022015). Collection method: clinical testing. Allele origin: germline.

Breakthrough Genomics
Classification: Likely benign. Review status: criteria provided, single submitter. Criteria: ACMG Guidelines, 2015. Collection method: not provided. Allele origin: germline. Inheritance: Autosomal recessive inheritance. Affected: yes.

PreventionGenetics, part of Exact Sciences
Classification: Likely benign for XYLT1-related condition. Last evaluated: 2019-03-29. Review status: no assertion criteria provided. Collection method: clinical testing. Allele origin: germline. Not counted in ClinVar's aggregate classification.
Comment: This variant is classified as likely benign based on ACMG/AMP sequence variant interpretation guidelines (Richards et al. 2015 PMID: 25741868, with internal and published modifications).

NM_022166.4(XYLT1):c.1716C>T (p.Cys572=)

Genes: XYLT1 (xylosyltransferase 1; minus strand), LOC102723692 (uncharacterized LOC102723692; plus strand). Cytogenetic location: 16p12.3.
Variant type: single nucleotide variant.
Coding change: c.1716C>T on transcript NM_022166.4 (MANE Select); coding-DNA position 1716, C replaced by T.
Protein change: p.Cys572=; no amino-acid change (cysteine 572 retained).
Molecular consequence: synonymous variant. On other transcripts: non-coding transcript variant (1).
Genome position (GRCh38, 1-based): chr16:17,138,403, G>A on the plus strand (C>T on the coding strand, the complement: XYLT1 is on the minus strand). VCF-style: chr16-17138403-G-A. GRCh37 (hg19) VCF-style: chr16-17232260-G-A.
Identifiers: ClinVar variation 732055 (VCV000732055.13), dbSNP rs765001631, ClinGen allele CA7927812.